The following is an entry in ClinVar:

NM_152743.4(BRAT1):c.2270C>T (p.Ala757Val)

Gene: BRAT1 (BRCA1 associated ATM activator 1; minus strand). Cytogenetic location: 7p22.3.
Variant type: single nucleotide variant.
Coding change: c.2270C>T on transcript NM_152743.4 (MANE Select); coding-DNA position 2270, C replaced by T.
Protein change: p.Ala757Val; replaces alanine 757 with valine.
Molecular consequence: missense variant. On other transcripts: non-coding transcript variant (1).
Genome position (GRCh38, 1-based): chr7:2,538,265, G>A on the plus strand (C>T on the coding strand, the complement: BRAT1 is on the minus strand). VCF-style: chr7-2538265-G-A. GRCh37 (hg19) VCF-style: chr7-2577899-G-A.
Other names: c.2450C>T, p.Ala817Val (NM_001350626.2); c.1745C>T, p.Ala582Val (NM_001350627.2); short protein forms A757V, A582V, A817V.
Identifiers: ClinVar variation 660227 (VCV000660227.10), dbSNP rs369064014, ClinGen allele CA4127407.

ClinVar aggregate classification (germline): Conflicting classifications of pathogenicity. Review status: criteria provided, conflicting classifications (1 of 4 stars). 3 submissions from 3 submitters: Uncertain significance (2); Likely benign (1). Last evaluated 2025-12-08.

Conditions:
Neonatal-onset encephalopathy with rigidity and seizures. Also called: Lethal neonatal spasticity-epileptic encephalopathy syndrome. Identifiers: Orphanet 435845, MedGen C3281029, MONDO:0013784, OMIM 614498.
Inborn genetic diseases. Identifiers: MedGen C0950123, MeSH D030342.

Allele frequency attached by ClinVar (database versions not stated): gnomAD exomes 0.00007 and 0.00009; TOPMed 0.00007; ESP Exome Variant Server 0.00008; ExAC 0.00011; gnomAD 0.00004 and 0.00005.

Submissions (3):

Labcorp Genetics (formerly Invitae), Labcorp
Classification: Likely benign for Neonatal-onset encephalopathy with rigidity and seizures. Last evaluated: 2025-12-08. Review status: criteria provided, single submitter. Criteria: Invitae Variant Classification Sherloc (09022015). Collection method: clinical testing. Allele origin: germline.

GeneDx
Classification: Uncertain significance. Last evaluated: 2025-07-08. Review status: criteria provided, single submitter. Criteria: GeneDx Variant Classification Process June 2021. Collection method: clinical testing. Allele origin: germline. Affected: yes.
Comment: In silico analysis suggests that this missense variant does not alter protein structure/function; Has not been previously published as pathogenic or benign to our knowledge

Ambry Genetics
Classification: Uncertain significance for Inborn genetic diseases. Last evaluated: 2022-10-26. Review status: criteria provided, single submitter. Criteria: Ambry Variant Classification Scheme 2023. Collection method: clinical testing. Allele origin: germline.